The following is an entry in ClinVar:

NM_000246.4(CIITA):c.78G>C (p.Glu26Asp)

Gene: CIITA (class II major histocompatibility complex transactivator; plus strand). Cytogenetic location: 16p13.13.
Variant type: single nucleotide variant.
Coding change: c.78G>C on transcript NM_000246.4 (MANE Select); coding-DNA position 78, G replaced by C.
Protein change: p.Glu26Asp; replaces glutamic acid 26 with aspartic acid.
Molecular consequence: missense variant. On other transcripts: non-coding transcript variant (1).
Genome position (GRCh38, 1-based): chr16:10,895,307, G>C. VCF-style: chr16-10895307-G-C. GRCh37 (hg19) VCF-style: chr16-10989164-G-C.
Other names: c.78G>C, p.Glu26Asp (NM_001286402.1, NM_001286403.2, NM_001379330.1 and 3 more transcripts); c.6G>C, p.Glu2Asp (NM_001379334.1); short protein forms E26D, E2D.
Identifiers: ClinVar variation 661060 (VCV000661060.6), dbSNP rs775957955, ClinGen allele CA7899565.
Genomic context (GRCh38, chr16:10,895,307, plus strand): 5'-CCTGTGAGGTGACTGAGCATTGTCTTCCCTCCCAGGCAGCTCACAGTGTGCCACCATGGA[G>C]TTGGGGCCCCTAGAAGGTGGCTACCTGGAGCTTCTTAACAGCGATGCTGACCCCCTGTGC-3'
Protein context (NP_000237.2, residues 16-36): PQGSSQCATM[Glu26Asp]LGPLEGGYLE

ClinVar aggregate classification (germline): Uncertain significance. Review status: criteria provided, multiple submitters, no conflicts (2 of 4 stars). 2 submissions from 2 submitters: Uncertain significance (2). Last evaluated 2025-05-17.

Conditions:
MHC class II deficiency. Also called: Bare lymphocyte syndrome 2; BLS, TYPE II. Identifiers: Orphanet 572, MedGen C5447452, MONDO:0008855.
Inborn genetic diseases. Identifiers: MedGen C0950123, MeSH D030342.

Allele frequency attached by ClinVar (database versions not stated): gnomAD exomes 0.00007; ExAC 0.00003; gnomAD 0.00005 and 0.00006; TOPMed 0.00005.
gnomAD v4.1: 130 of 1,613,908 alleles (0.0081%); highest among the groups gnomAD compares: Admixed American, 0.042%; no homozygotes.

Submissions (2):

Ambry Genetics
Classification: Uncertain significance for Inborn genetic diseases. Last evaluated: 2025-05-17. Review status: criteria provided, single submitter. Criteria: Ambry Variant Classification Scheme 2023. Collection method: clinical testing. Allele origin: germline.

Labcorp Genetics (formerly Invitae), Labcorp
Classification: Uncertain significance for MHC class II deficiency. Last evaluated: 2022-10-25. Review status: criteria provided, single submitter. Criteria: Invitae Variant Classification Sherloc (09022015). Collection method: clinical testing. Allele origin: germline.
Comment: This sequence change replaces glutamic acid, which is acidic and polar, with aspartic acid, which is acidic and polar, at codon 26 of the CIITA protein (p.Glu26Asp). This variant is present in population databases (rs775957955, gnomAD 0.03%). This variant has not been reported in the literature in individuals affected with CIITA-related conditions. ClinVar contains an entry for this variant (Variation ID: 661060). Algorithms developed to predict the effect of missense changes on protein structure and function output the following: SIFT: "Tolerated"; PolyPhen-2: "Benign"; Align-GVGD: "Class C0". The aspartic acid amino acid residue is found in multiple mammalian species, which suggests that this missense change does not adversely affect protein function. In summary, the available evidence is currently insufficient to determine the role of this variant in disease. Therefore, it has been classified as a Variant of Uncertain Significance.